The following is an entry in ClinVar:

ClinVar aggregate classification (germline): Uncertain significance (1 of 4 stars; one submission).

Submission:

GeneDx
Classification: Uncertain significance. Last evaluated: 2024-08-14. Review status: criteria provided, single submitter. Criteria: GeneDx Variant Classification Process June 2021. Collection method: clinical testing. Allele origin: germline. Affected: yes.
Comment: Not observed at significant frequency in large population cohorts (gnomAD); In silico analysis supports a deleterious effect on splicing; Has not been previously published as pathogenic or benign to our knowledge

NM_003070.5(SMARCA2):c.3684+3A>G

Gene: SMARCA2 (SWI/SNF related BAF chromatin remodeling complex subunit ATPase 2; plus strand). Cytogenetic location: 9p24.3.
Variant type: single nucleotide variant.
Coding change: c.3684+3A>G on transcript NM_003070.5 (MANE Select); 3 bases into the intron after coding-DNA position 3684, A replaced by G.
Molecular consequence: intron variant.
Genome position (GRCh38, 1-based): chr9:2,116,052, A>G. VCF-style: chr9-2116052-A-G. GRCh37 (hg19) VCF-style: chr9-2116052-A-G.
Other names: c.3684+3A>G (NM_139045.4, NM_001289396.2); c.3510+3A>G (NM_001289397.2).
Identifiers: ClinVar variation 3730906 (VCV003730906.1).